The following is an entry in ClinVar:

NM_003924.4(PHOX2B):c.866dup (p.Pro290fs)

Gene: PHOX2B (paired like homeobox 2B; minus strand). Cytogenetic location: 4p13.
Variant type: Duplication.
Coding change: c.866dup on transcript NM_003924.4 (MANE Select); coding-DNA position 866, one base duplicated (G; older notation c.866dupG).
Protein change: p.Pro290fs; shifts the reading frame from proline 290.
Molecular consequence: frameshift variant.
Genome position (GRCh38, 1-based): chr4:41,745,886, C duplicated on the plus strand (G on the coding strand, the reverse complement: PHOX2B is on the minus strand); the first of 5 consecutive C bases (chr4:41,745,886-41,745,890); duplicating any one gives the same sequence. VCF-style (leftmost placement, unchanged base first): chr4-41745885-A-AC. GRCh37 (hg19) VCF-style: chr4-41747902-A-AC.
Other names: short protein forms P290fs.
Identifiers: ClinVar variation 987239 (VCV000987239.4), dbSNP rs1733868277, ClinGen allele CA1139658463.

ClinVar aggregate classification (germline): Pathogenic. Review status: criteria provided, multiple submitters, no conflicts (2 of 4 stars). 2 submissions from 2 submitters: Pathogenic (2). Last evaluated 2020-10-23.

Conditions:
Central hypoventilation syndrome, congenital, 1, with or without Hirschsprung disease (CCHS1). Also called: CENTRAL HYPOVENTILATION SYNDROME, CONGENITAL, 1; Central hypoventilation syndrome, congenital, 1, with or without Hirschsprung; AUTONOMIC CONTROL, CONGENITAL FAILURE OF; ONDINE CURSE, CONGENITAL; Congenital Central Hypoventilation Syndrome (CCHS). Identifiers: Orphanet 661, MedGen C5562075, MONDO:0800026, OMIM 209880.
Neuroblastoma, susceptibility to, 2. Identifiers: Orphanet 635, MedGen C2751682, MONDO:0700041, OMIM 613013.

Submissions (2):

Institute of Medical Genetics and Applied Genomics, University Hospital Tübingen
Classification: Pathogenic. Last evaluated: 2020-10-23. Review status: criteria provided, single submitter. Criteria: ACMG Guidelines, 2015. Collection method: clinical testing. Allele origin: germline. Inheritance: Unknown mechanism. Affected: yes.

Center for Genomics, Ann and Robert H. Lurie Children's Hospital of Chicago
Classification: Pathogenic for Neuroblastoma, susceptibility to, 2; Central hypoventilation syndrome, congenital, 1, with or without Hirschsprung disease. Review status: criteria provided, single submitter. Criteria: ACMG Guidelines, 2015. Collection method: clinical testing. Allele origin: germline.
Comment: This variant is predicted to cause loss of normal protein function through protein truncation or nonsense mediated mRNA decay, and has not been reported in publicly available population databases of healthy individuals (including 1000 genomes, ExAC database and Exome Sequencing Project). Also, it has been reported in a patient with CCHS (Sasaki et al. Hum Genet. 2003 Dec;114(1):22-6.). Given its previous association with CCHS, absence from population databases and the clinical findings of this patient, this variant is classified as pathogenic. Heterozygous pathogenic variants in the PHOX2B gene are associated with CCHS[OMIM#209880].